The following is an entry in ClinVar:

ClinVar aggregate classification (germline): Likely pathogenic (1 of 4 stars; one submission).

Conditions:
Breast-ovarian cancer, familial, susceptibility to, 1 (BROVCA1). Also called: BRCA1 Hereditary Breast and Ovarian Cancer; OVARIAN CANCER, SUSCEPTIBILITY TO. Identifiers: Orphanet 145, MedGen C2676676, MONDO:0011450, OMIM 604370. Disease mechanism: loss of function.

Submission:

Laboratorio de Genetica Molecular e Citogenetica, Universidade Federal de Goias
Classification: Likely pathogenic for Breast-ovarian cancer, familial, susceptibility to, 1. Last evaluated: 2022-07-14. Review status: criteria provided, single submitter. Criteria: ACMG Guidelines, 2015. Collection method: clinical testing. Allele origin: germline. Inheritance: Autosomal dominant inheritance. Affected: yes. Observed: 1 heterozygote.
Comment: The variant c. The frameshift variant causes a premature stop codon 31 codons after insertion (p.Tyr1769Phefs*31). The variant is predicted to create a null allele in a gene where loss of function is a known disease-causing mechanism (PMID: 27535533) and is a variant absent in controls (PMID: 18571414).

Literature cited by the submitters: DOI 10.1038/gim.2015.30.

NM_007294.4(BRCA1):c.5307_5308insCACCAACATGCCCTTCACCT (p.Gly1770fs)

Gene: BRCA1 (BRCA1 DNA repair associated; minus strand). Cytogenetic location: 17q21.31.
Variant type: Insertion.
Coding change: c.5307_5308insCACCAACATGCCCTTCACCT on transcript NM_007294.4 (MANE Select); coding-DNA positions 5307 to 5308, CACCAACATGCCCTTCACCT inserted.
Protein change: p.Gly1770fs; shifts the reading frame from glycine 1770.
Molecular consequence: frameshift variant. On other transcripts: non-coding transcript variant (1).
Genome position: GRCh38 VCF-style: chr17-43051087-C-CAGGTGAAGGGCATGTTGGTG. GRCh37 (hg19) VCF-style: chr17-41203104-C-CAGGTGAAGGGCATGTTGGTG.
Other names: c.5093_5094insTCACCAACATGCCCTTCACC, p.Gly1699Hisfs (NM_001407571.1, NM_001407894.1, NM_001407895.1 and 12 more transcripts); c.5372_5373insTCACCAACATGCCCTTCACC, p.Gly1792Hisfs (NM_001407581.1, NM_001407582.1); c.5369_5370insTCACCAACATGCCCTTCACC, p.Gly1791Hisfs (NM_001407583.1, NM_001407585.1, NM_001407587.1); c.5366_5367insTCACCAACATGCCCTTCACC, p.Gly1790Hisfs (NM_001407590.1, NM_001407591.1); c.5306_5307insTCACCAACATGCCCTTCACC, p.Gly1770Hisfs (NM_001407593.1, NM_001407594.1, NM_001407596.1 and 6 more transcripts); c.5303_5304insTCACCAACATGCCCTTCACC, p.Gly1769Hisfs (NM_001407610.1, NM_001407611.1, NM_001407612.1 and 17 more transcripts); c.5300_5301insTCACCAACATGCCCTTCACC, p.Gly1768Hisfs (NM_001407627.1, NM_001407628.1, NM_001407629.1 and 14 more transcripts); c.5297_5298insTCACCAACATGCCCTTCACC, p.Gly1767Hisfs (NM_001407644.1, NM_001407645.1); and 75 more; short protein forms G1723fs, G1770fs, G1791fs, G666fs.
Identifiers: ClinVar variation 1697284 (VCV001697284.3), dbSNP rs2153069688, ClinGen allele CA2580094084.